The following is an entry in ClinVar:

NM_001232.4(CASQ2):c.692C>T (p.Pro231Leu)

Gene: CASQ2 (calsequestrin 2; minus strand). Cytogenetic location: 1p13.1.
Variant type: single nucleotide variant.
Coding change: c.692C>T on transcript NM_001232.4 (MANE Select); coding-DNA position 692, C replaced by T.
Protein change: p.Pro231Leu; replaces proline 231 with leucine.
Molecular consequence: missense variant.
Genome position (GRCh38, 1-based): chr1:115,727,037, G>A on the plus strand (C>T on the coding strand, the complement: CASQ2 is on the minus strand). VCF-style: chr1-115727037-G-A. GRCh37 (hg19) VCF-style: chr1-116269658-G-A.
Other names: short protein forms P231L.
Identifiers: ClinVar variation 1305233 (VCV001305233.5), dbSNP rs780769796, ClinGen allele CA1023819.

ClinVar aggregate classification (germline): Uncertain significance. Review status: criteria provided, multiple submitters, no conflicts (2 of 4 stars). 3 submissions from 3 submitters: Uncertain significance (3). Last evaluated 2023-04-11.

Conditions:
Catecholaminergic polymorphic ventricular tachycardia 2. Also called: CASQ2-Related Catecholaminergic Polymorphic Ventricular Tachycardia; VENTRICULAR TACHYCARDIA, STRESS-INDUCED POLYMORPHIC 2. Identifiers: Orphanet 3286, MedGen C2677794, MONDO:0012762, OMIM 611938.
Cardiovascular phenotype. Identifiers: MedGen CN230736.

Allele frequency attached by ClinVar (database versions not stated): ExAC 0.00001.

Submissions (3):

Genome-Nilou Lab
Classification: Uncertain significance for Catecholaminergic polymorphic ventricular tachycardia 2. Last evaluated: 2023-04-11. Review status: criteria provided, single submitter. Criteria: ACMG Guidelines, 2015. Collection method: clinical testing. Allele origin: germline. Affected: no.

Ambry Genetics
Classification: Uncertain significance for Cardiovascular phenotype. Last evaluated: 2023-03-07. Review status: criteria provided, single submitter. Criteria: Ambry Variant Classification Scheme 2023. Collection method: clinical testing. Allele origin: germline.
Comment: The p.P231L variant (also known as c.692C>T), located in coding exon 6 of the CASQ2 gene, results from a C to T substitution at nucleotide position 692. The proline at codon 231 is replaced by leucine, an amino acid with similar properties. This amino acid position is conserved. In addition, this alteration is predicted to be deleterious by in silico analysis. Since supporting evidence is limited at this time, the clinical significance of this alteration remains unclear.

GeneDx
Classification: Uncertain significance. Last evaluated: 2019-01-29. Review status: criteria provided, single submitter. Criteria: GeneDx Variant Classification Process June 2021. Collection method: clinical testing. Allele origin: germline. Affected: yes.
Comment: Has not been previously published as pathogenic or benign to our knowledge; In silico analysis, which includes protein predictors and evolutionary conservation, supports a deleterious effect; Not observed at a significant frequency in large population cohorts (Lek et al., 2016)